The following is an entry in ClinVar:

NM_000341.4(SLC3A1):c.1093C>T (p.Arg365Trp)

Gene: SLC3A1 (solute carrier family 3 member 1; plus strand). Cytogenetic location: 2p21.
Variant type: single nucleotide variant.
Coding change: c.1093C>T on transcript NM_000341.4 (MANE Select); coding-DNA position 1093, C replaced by T.
Protein change: p.Arg365Trp; replaces arginine 365 with tryptophan.
Molecular consequence: missense variant.
Genome position (GRCh38, 1-based): chr2:44,301,084, C>T. VCF-style: chr2-44301084-C-T. GRCh37 (hg19) VCF-style: chr2-44528223-C-T.
Other names: short protein forms R365W.
Identifiers: ClinVar variation 1076782 (VCV001076782.14), dbSNP rs765828196, ClinGen allele CA1640407.

ClinVar aggregate classification (germline): Pathogenic/Likely pathogenic. Review status: criteria provided, multiple submitters, no conflicts (2 of 4 stars). 4 submissions from 4 submitters: Pathogenic (2); Likely pathogenic (1). 1 of the submissions does not count toward it. Last evaluated 2025-07-13.

Conditions:
Cystinuria (CSNU). Also called: CYSTINURIA, TYPE I; CYSTINURIA, TYPE II; CYSTINURIA, TYPE III; Cystinuria, non-type I. Identifiers: Orphanet 214, MedGen C0010691, MONDO:0009067, OMIM 220100, HP:0003131.

Allele frequency attached by ClinVar (database versions not stated): ExAC 0.00002; gnomAD exomes 0.00002; gnomAD 0.00005; TOPMed 0.00006.
gnomAD v4.1: 28 of 1,614,010 alleles (0.0017%); highest among the groups gnomAD compares: African/African-American, 0.0067%; no homozygotes.

Submissions (4):

Labcorp Genetics (formerly Invitae), Labcorp
Classification: Pathogenic for Cystinuria. Last evaluated: 2025-07-13. Review status: criteria provided, single submitter. Criteria: Invitae Variant Classification Sherloc (09022015). Collection method: clinical testing. Allele origin: germline.
Comment: This sequence change replaces arginine, which is basic and polar, with tryptophan, which is neutral and slightly polar, at codon 365 of the SLC3A1 protein (p.Arg365Trp). This variant is present in population databases (rs765828196, gnomAD 0.01%). This missense change has been observed in individual(s) with cystinuria (PMID: 12234283, 25964309). In at least one individual the data is consistent with being in trans (on the opposite chromosome) from a pathogenic variant. ClinVar contains an entry for this variant (Variation ID: 1076782). Invitae Evidence Modeling of protein sequence and biophysical properties (such as structural, functional, and spatial information, amino acid conservation, physicochemical variation, residue mobility, and thermodynamic stability) has been performed for this missense variant. However, the output from this modeling did not meet the statistical confidence thresholds required to predict the impact of this variant on SLC3A1 protein function. Experimental studies have shown that this missense change affects SLC3A1 function (PMID: 14561219, 18332091). Algorithms developed to predict the effect of sequence changes on RNA splicing suggest that this variant may disrupt the consensus splice site. This variant disrupts the p.Arg365 amino acid residue in SLC3A1. Other variant(s) that disrupt this residue have been observed in individuals with SLC3A1-related conditions (PMID: 14991253, 23532419), which suggests that this may be a clinically significant amino acid residue. For these reasons, this variant has been classified as Pathogenic.

3billion
Classification: Pathogenic for Cystinuria. Last evaluated: 2024-02-19. Review status: criteria provided, single submitter. Criteria: ACMG Guidelines, 2015. Collection method: clinical testing. Allele origin: germline. Affected: yes.
Comment: The variant is observed at an extremely low frequency in the gnomAD v2.1.1 dataset (total allele frequency: 0.002%). Predicted Consequence/Location: Missense variant Functional studies provide strong evidence of the variant having a damaging effect on the gene or gene product (PMID: 14561219, 18332091). In silico tool predictions suggest damaging effect of the variant on gene or gene product (REVEL: 0.96; 3Cnet: 0.47). Same nucleotide change resulting in same amino acid change has been previously reported as pathogenic/likely pathogenic with strong evidence (ClinVar ID: VCV001076782). The variant has been reported to be in trans with a pathogenic variant as either compound heterozygous or homozygous in at least one similarly affected unrelated individual (PMID: 12234283, 25964309). Different missense changes at the same codon (p.Arg365Gln, p.Arg365Leu, p.Arg365Pro) have been reported to be associated with SLC3A1-related disorder (ClinVar ID: VCV000562304 /PMID: 10464673, 14991253, 16138908). Therefore, this variant is classified as Pathogenic according to the recommendation of ACMG/AMP guideline.

Fulgent Genetics
Classification: Likely pathogenic for Cystinuria. Last evaluated: 2021-06-30. Review status: criteria provided, single submitter. Criteria: ACMG Guidelines, 2015. Collection method: clinical testing. Allele origin: unknown.
Comment: This variant has been detected in individual(s) who were sent for testing of Renasight - kidney gene panel.

Chinese Inherited Urolithiasis Consortium, The Affiliated Yantai Yuhuangding Hospital of Qingdao University
Classification: Pathogenic for Cystinuria. Last evaluated: 2024-08-26. Review status: no assertion criteria provided. Collection method: clinical testing. Allele origin: maternal, biparental. Affected: yes. Observed: 3 variant alleles. Not counted in ClinVar's aggregate classification.

Literature cited by the submitters: PubMed 12234283 (cited by Labcorp Genetics (formerly Invitae), Labcorp and 3billion); PubMed 25964309 (cited by Labcorp Genetics (formerly Invitae), Labcorp); PubMed 14561219 (cited by Labcorp Genetics (formerly Invitae), Labcorp); PubMed 18332091 (cited by Labcorp Genetics (formerly Invitae), Labcorp); PubMed 14991253 (cited by Labcorp Genetics (formerly Invitae), Labcorp); PubMed 23532419 (cited by Labcorp Genetics (formerly Invitae), Labcorp); PubMed 10464673 (cited by 3billion).